The following is an entry in ClinVar:

NM_024753.5(TTC21B):c.598A>G (p.Thr200Ala)

Genes: TTC21B (tetratricopeptide repeat domain 21B; minus strand), TTC21B-AS1 (TTC21B antisense RNA 1; plus strand). Cytogenetic location: 2q24.3.
Variant type: single nucleotide variant.
Coding change: c.598A>G on transcript NM_024753.5 (MANE Select); coding-DNA position 598, A replaced by G.
Protein change: p.Thr200Ala; replaces threonine 200 with alanine.
Molecular consequence: missense variant.
Genome position (GRCh38, 1-based): chr2:165,941,139, T>C on the plus strand (A>G on the coding strand, the complement: TTC21B is on the minus strand). VCF-style: chr2-165941139-T-C. GRCh37 (hg19) VCF-style: chr2-166797649-T-C.
Other names: c.598A>G (NM_024753.4, NM_024753.3); short protein forms T200A.
Identifiers: ClinVar variation 1381203 (VCV001381203.10), dbSNP rs1387736357, ClinGen allele CA349051127.
Genomic context (GRCh38, chr2:165,941,139, plus strand): 5'-TCATTTTCTTAACAAAAGCAGGAAGGAAGCTCGGAAAATTCACGATTATCTGGTTCACAG[T>C]CTCCAGGGCACCTGAATAATTCTGGCGCATCTCAAGGCATTGTGCCTAATGGAAGGGAAA-3'
Protein context (NP_079029.3, residues 190-210): MRQNYSGALE[Thr200Ala]VNQIIVNFPS

ClinVar aggregate classification (germline): Uncertain significance. Review status: criteria provided, multiple submitters, no conflicts (2 of 4 stars). 3 submissions from 3 submitters: Uncertain significance (3). Last evaluated 2026-05-13.

Conditions:
Nephronophthisis. Also called: Juvenile Nephronophthisis. Identifiers: Orphanet 655, MedGen C0687120, MONDO:0019005, HP:0000090.
Jeune thoracic dystrophy. Also called: Jeune syndrome; Infantile thoracic dystrophy; Thoracic pelvic phalangeal dystrophy; Jeune's syndrome; Chondroectodermal dysplasia-like syndrome; Short-rib thoracic dysplasia. Identifiers: Orphanet 474, MedGen C0265275, MONDO:0018770.
Inborn genetic diseases. Identifiers: MedGen C0950123, MeSH D030342.
TTC21B-related disorder. Also called: TTC21B-related disorders; TTC21B-related condition.

Allele frequency attached by ClinVar (database versions not stated): gnomAD exomes below 0.00001.
gnomAD v4.1: 2 of 1,613,872 alleles (0.00012%); highest among the groups gnomAD compares: Non-Finnish European, 0.000085%; no homozygotes.

Submissions (3):

PreventionGenetics, part of Exact Sciences
Classification: Uncertain significance for TTC21B-related condition. Last evaluated: 2026-05-13. Review status: criteria provided, single submitter. Criteria: ACMG Guidelines, 2015. Collection method: clinical testing. Allele origin: germline.
Comment: The TTC21B c.598A>G variant is predicted to result in the amino acid substitution p.Thr200Ala. To our knowledge, this variant has not been reported in the literature or in a large population database (gnomAD), indicating this variant is rare. At this time, the clinical significance of this variant is uncertain due to the absence of conclusive functional and genetic evidence.

Ambry Genetics
Classification: Uncertain significance for Inborn genetic diseases. Last evaluated: 2024-01-30. Review status: criteria provided, single submitter. Criteria: Ambry Variant Classification Scheme 2023. Collection method: clinical testing. Allele origin: germline.

Labcorp Genetics (formerly Invitae), Labcorp
Classification: Uncertain significance for Jeune thoracic dystrophy; Nephronophthisis. Last evaluated: 2022-10-24. Review status: criteria provided, single submitter. Criteria: Invitae Variant Classification Sherloc (09022015). Collection method: clinical testing. Allele origin: germline.
Comment: In summary, the available evidence is currently insufficient to determine the role of this variant in disease. Therefore, it has been classified as a Variant of Uncertain Significance. Advanced modeling of protein sequence and biophysical properties (such as structural, functional, and spatial information, amino acid conservation, physicochemical variation, residue mobility, and thermodynamic stability) performed at Invitae indicates that this missense variant is not expected to disrupt TTC21B protein function. ClinVar contains an entry for this variant (Variation ID: 1381203). This variant has not been reported in the literature in individuals affected with TTC21B-related conditions. This variant is not present in population databases (gnomAD no frequency). This sequence change replaces threonine, which is neutral and polar, with alanine, which is neutral and non-polar, at codon 200 of the TTC21B protein (p.Thr200Ala).